The following is an entry in ClinVar:

ClinVar aggregate classification (germline): Conflicting classifications of pathogenicity. Review status: criteria provided, conflicting classifications (1 of 4 stars). 4 submissions from 4 submitters: Uncertain significance (3); Likely benign (1). Last evaluated 2025-08-25.

Conditions:
Rubinstein-Taybi syndrome (RSTS). Identifiers: Orphanet 783, MedGen C0035934, MONDO:0019188.
Rubinstein-Taybi syndrome due to CREBBP mutations (RSTS1). Also called: RUBINSTEIN-TAYBI SYNDROME 1, INCOMPLETE; RUBINSTEIN SYNDROME; Rubinstein-Taybi syndrome 1; BROAD THUMBS AND GREAT TOES, CHARACTERISTIC FACIES, AND IMPAIRED INTELLECTUAL DEVELOPMENT; CREBBP-Related Rubinstein-Taybi Syndrome; BROAD THUMB-HALLUX SYNDROME. Identifiers: Orphanet 353277, Orphanet 783, MedGen C4551859, MONDO:0008393, OMIM 180849.
Menke-Hennekam syndrome 1 (MKHK1). Identifiers: MedGen C5193034, MONDO:0020763, OMIM 618332.
CREBBP-related disorder. Also called: CREBBP-related condition; CREBBP-related disorders.

Allele frequency attached by ClinVar (database versions not stated): gnomAD exomes below 0.00001; TOPMed below 0.00001; ExAC 0.00001.
gnomAD v4.1: 5 of 1,612,114 alleles (0.00031%); highest among the groups gnomAD compares: Admixed American, 0.0017%; no homozygotes.

Submissions (4):

Labcorp Genetics (formerly Invitae), Labcorp
Classification: Likely benign for Rubinstein-Taybi syndrome. Last evaluated: 2025-08-25. Review status: criteria provided, single submitter. Criteria: Invitae Variant Classification Sherloc (09022015). Collection method: clinical testing. Allele origin: germline.

PreventionGenetics, part of Exact Sciences
Classification: Uncertain significance for CREBBP-related condition. Last evaluated: 2025-07-13. Review status: criteria provided, single submitter. Criteria: ACMG Guidelines, 2015. Collection method: clinical testing. Allele origin: germline.
Comment: The CREBBP c.2303G>A variant is predicted to result in the amino acid substitution p.Arg768Gln. To our knowledge, this variant has not been reported in the literature. This variant is reported in 0.0029% of alleles in individuals of Latino descent in gnomAD. At this time, the clinical significance of this variant is uncertain due to the absence of conclusive functional and genetic evidence.

Fulgent Genetics
Classification: Uncertain significance for Rubinstein-Taybi syndrome due to CREBBP mutations; Menke-Hennekam syndrome 1. Last evaluated: 2024-04-12. Review status: criteria provided, single submitter. Criteria: ACMG Guidelines, 2015. Collection method: clinical testing. Allele origin: germline.

GeneDx
Classification: Uncertain significance. Last evaluated: 2021-06-30. Review status: criteria provided, single submitter. Criteria: GeneDx Variant Classification Process June 2021. Collection method: clinical testing. Allele origin: germline. Affected: yes.
Comment: In silico analysis supports that this missense variant has a deleterious effect on protein structure/function; Has not been previously published as pathogenic or benign to our knowledge; This variant is associated with the following publications: (PMID: 27535533)

NM_004380.3(CREBBP):c.2303G>A (p.Arg768Gln)

Gene: CREBBP (CREB binding lysine acetyltransferase; minus strand). Cytogenetic location: 16p13.3.
Variant type: single nucleotide variant.
Coding change: c.2303G>A on transcript NM_004380.3 (MANE Select); coding-DNA position 2303, G replaced by A.
Protein change: p.Arg768Gln; replaces arginine 768 with glutamine.
Molecular consequence: missense variant.
Genome position (GRCh38, 1-based): chr16:3,773,911, C>T on the plus strand (G>A on the coding strand, the complement: CREBBP is on the minus strand). VCF-style: chr16-3773911-C-T. GRCh37 (hg19) VCF-style: chr16-3823912-C-T.
Other names: c.2189G>A, p.Arg730Gln (NM_001079846.1); short protein forms R730Q, R768Q.
Identifiers: ClinVar variation 1331246 (VCV001331246.8), dbSNP rs754386072, ClinGen allele CA7870165.